The following is an entry in ClinVar:

NM_002691.4(POLD1):c.2440T>C (p.Phe814Leu)

Gene: POLD1 (DNA polymerase delta 1, catalytic subunit; plus strand). Cytogenetic location: 19q13.33.
Variant type: single nucleotide variant.
Coding change: c.2440T>C on transcript NM_002691.4 (MANE Select); coding-DNA position 2440, T replaced by C.
Protein change: p.Phe814Leu; replaces phenylalanine 814 with leucine.
Molecular consequence: missense variant. On other transcripts: non-coding transcript variant (1).
Genome position (GRCh38, 1-based): chr19:50,414,866, T>C. VCF-style: chr19-50414866-T-C. GRCh37 (hg19) VCF-style: chr19-50918123-T-C.
Other names: c.2440T>C, p.Phe814Leu (NM_001256849.1); c.2518T>C, p.Phe840Leu (NM_001308632.1); c.2440T>C (NM_002691.2); short protein forms F840L, F814L.
Identifiers: ClinVar variation 1919901 (VCV001919901.7), dbSNP rs2514047403, ClinGen allele CA406984719.

ClinVar aggregate classification (germline): Uncertain significance. Review status: criteria provided, multiple submitters, no conflicts (2 of 4 stars). 2 submissions from 2 submitters: Uncertain significance (2). Last evaluated 2022-11-24.

Conditions:
POLD1-related polyposis and colorectal cancer syndrome (CRCS10). Also called: Colorectal cancer 10; COLORECTAL CANCER, SUSCEPTIBILITY TO, ON CHROMOSOME 19q; Colorectal cancer, susceptibility to, 10. Identifiers: Orphanet 220460, MedGen C2675481, MONDO:0012953, OMIM 612591.
Hereditary cancer-predisposing syndrome. Also called: Tumor predisposition; Hereditary Cancer Syndrome; Hereditary neoplastic syndrome; Neoplastic Syndromes, Hereditary. Identifiers: Orphanet 140162, MedGen C0027672, MeSH D009386, MONDO:0015356.

Submissions (2):

Ambry Genetics
Classification: Uncertain significance for Hereditary cancer-predisposing syndrome. Last evaluated: 2022-11-24. Review status: criteria provided, single submitter. Criteria: Ambry Variant Classification Scheme 2023. Collection method: clinical testing. Allele origin: germline.
Comment: The p.F814L variant (also known as c.2440T>C), located in coding exon 19 of the POLD1 gene, results from a T to C substitution at nucleotide position 2440. The phenylalanine at codon 814 is replaced by leucine, an amino acid with highly similar properties. This amino acid position is conserved. In addition, this alteration is predicted to be tolerated by in silico analysis. Since supporting evidence is limited at this time, the clinical significance of this alteration remains unclear.

Labcorp Genetics (formerly Invitae), Labcorp
Classification: Uncertain significance for POLD1-related polyposis and colorectal cancer syndrome. Last evaluated: 2022-08-23. Review status: criteria provided, single submitter. Criteria: Invitae Variant Classification Sherloc (09022015). Collection method: clinical testing. Allele origin: germline.
Comment: In summary, the available evidence is currently insufficient to determine the role of this variant in disease. Therefore, it has been classified as a Variant of Uncertain Significance. This sequence change replaces phenylalanine, which is neutral and non-polar, with leucine, which is neutral and non-polar, at codon 814 of the POLD1 protein (p.Phe814Leu). This variant is not present in population databases (gnomAD no frequency). This variant has not been reported in the literature in individuals affected with POLD1-related conditions. Algorithms developed to predict the effect of missense changes on protein structure and function are either unavailable or do not agree on the potential impact of this missense change (SIFT: "Deleterious"; PolyPhen-2: "Possibly Damaging"; Align-GVGD: "Class C0").